The following is an entry in ClinVar:

ClinVar aggregate classification (germline): Uncertain significance (1 of 4 stars; one submission).

Conditions:
Hereditary cancer-predisposing syndrome. Also called: Tumor predisposition; Neoplastic Syndromes, Hereditary; Hereditary neoplastic syndrome; Hereditary Cancer Syndrome. Identifiers: Orphanet 140162, MedGen C0027672, MeSH D009386, MONDO:0015356.

Submission:

Ambry Genetics
Classification: Uncertain significance for Hereditary cancer-predisposing syndrome. Last evaluated: 2025-08-27. Review status: criteria provided, single submitter. Criteria: Ambry Variant Classification Scheme 2023. Collection method: clinical testing. Allele origin: germline.
Comment: The p.F533C variant (also known as c.1598T>G), located in coding exon 16 of the MUTYH gene, results from a T to G substitution at nucleotide position 1598. The phenylalanine at codon 533 is replaced by cysteine, an amino acid with highly dissimilar properties. This amino acid position is conserved. In addition, the in silico prediction for this alteration is inconclusive. Based on the available evidence, the clinical significance of this variant remains unclear.

NM_001048174.2(MUTYH):c.1514T>G (p.Phe505Cys)

Gene: MUTYH (mutY DNA glycosylase; minus strand). Cytogenetic location: 1p34.1.
Variant type: single nucleotide variant.
Coding change: c.1514T>G on transcript NM_001048174.2 (MANE Select); coding-DNA position 1514, T replaced by G.
Protein change: p.Phe505Cys; replaces phenylalanine 505 with cysteine.
Molecular consequence: missense variant. On other transcripts: non-coding transcript variant (7).
Genome position (GRCh38, 1-based): chr1:45,329,358, A>C on the plus strand (T>G on the coding strand, the complement: MUTYH is on the minus strand). VCF-style: chr1-45329358-A-C. GRCh37 (hg19) VCF-style: chr1-45795030-A-C.
Other names: c.1514T>G, p.Phe505Cys (NM_001407070.1, NM_001407072.1, NM_001407073.1 and 6 more transcripts); c.1517T>G, p.Phe506Cys (NM_001407071.1, NM_001407078.1, NM_001048172.2 and 1 more transcripts); c.1430T>G, p.Phe477Cys (NM_001407075.1); c.1547T>G, p.Phe516Cys (NM_001407077.1, NM_001293191.2, NM_001407069.1); c.1475T>G, p.Phe492Cys (NM_001407079.1); c.1472T>G, p.Phe491Cys (NM_001407080.1); c.1598T>G, p.Phe533Cys (NM_001128425.2); c.1559T>G, p.Phe520Cys (NM_001293190.2); and 5 more; short protein forms F390C, F491C, F505C, F506C, F413C, F512C, F520C, F530C.
Identifiers: ClinVar variation 4113422 (VCV004113422.1).